The following is an entry in ClinVar:

ClinVar aggregate classification (germline): Pathogenic. Review status: reviewed by expert panel (3 of 4 stars). 8 submissions from 7 submitters: Pathogenic (1). 7 of the submissions do not count toward it. Last evaluated 2017-03-17.

Conditions:
CFTR-related disorder (CFTR-RD). Also called: CFTR-related disorders; CFTR-related condition. Identifiers: MedGen C5924204, MONDO:7770004.
Cystic fibrosis (CF). Also called: MUCOVISCIDOSIS. Identifiers: Orphanet 586, MedGen C0010674, MONDO:0009061, OMIM 219700. Disease mechanism: loss of function.
Congenital bilateral aplasia of vas deferens from CFTR mutation (CBAVD). Identifiers: Orphanet 48, MedGen C0403814, MONDO:0010178, OMIM 277180. Disease mechanism: loss of function.
Bronchiectasis with or without elevated sweat chloride 1 (BESC1). Also called: Cystic Fibrosis-Like Syndrome. Identifiers: Orphanet 60033, MedGen C2749757, MONDO:0008887, OMIM 211400.

Allele frequency attached by ClinVar (database versions not stated): gnomAD exomes 0.00001; TOPMed below 0.00001.
gnomAD v4.1: 10 of 1,613,712 alleles (0.00062%); highest among the groups gnomAD compares: Non-Finnish European, 0.00076%; no homozygotes.

Submissions (8):

CFTR2
Classification: Pathogenic for Cystic fibrosis. Last evaluated: 2017-03-17. Review status: reviewed by expert panel. Criteria: Sosnay PR et al. (Nat Genet 2013). Collection method: research. Allele origin: germline. Affected: yes. Study: CFTR2.

Natera, Inc.
Classification: Pathogenic for CFTR-related disorders. Last evaluated: 2025-09-03. Review status: criteria provided, single submitter. Criteria: Natera Variant Classification Schema (03/2026). Collection method: clinical testing. Allele origin: germline. Not counted in ClinVar's aggregate classification.
Comment: The c.3761T>G variant in CFTR is a nonsense variant predicted to introduce a stop codon at amino acid 1254. This variant is expected to result in nonsense mediated decay, truncation, or a dysfunctional protein product. This variant is rare in the general population with a frequency below the threshold expected for the associated phenotype(s). This variant has been observed in one or more individuals affected with the associated recessive disease, as either homozygous or compound heterozygous with a second variant (PMID: 32627187). Given the available evidence, this variant is classified as Pathogenic.

Labcorp Genetics (formerly Invitae), Labcorp
Classification: Pathogenic for Cystic fibrosis. Last evaluated: 2024-11-12. Review status: criteria provided, single submitter. Criteria: Invitae Variant Classification Sherloc (09022015). Collection method: clinical testing. Allele origin: germline. Not counted in ClinVar's aggregate classification.
Comment: This sequence change creates a premature translational stop signal (p.Leu1254*) in the CFTR gene. It is expected to result in an absent or disrupted protein product. Loss-of-function variants in CFTR are known to be pathogenic (PMID: 1695717, 7691345, 9725922). This variant is not present in population databases (gnomAD no frequency). This premature translational stop signal has been observed in individual(s) with cystic fibrosis (PMID: 17331079). ClinVar contains an entry for this variant (Variation ID: 53805). For these reasons, this variant has been classified as Pathogenic.

GeneDx
Classification: Pathogenic. Last evaluated: 2024-04-16. Review status: criteria provided, single submitter. Criteria: GeneDx Variant Classification Process June 2021. Collection method: clinical testing. Allele origin: germline. Affected: yes. Not counted in ClinVar's aggregate classification.
Comment: Not observed at significant frequency in large population cohorts (gnomAD); Nonsense variant predicted to result in protein truncation or nonsense mediated decay in a gene for which loss of function is a known mechanism of disease; This variant is associated with the following publications: (PMID: 32627187, 9725922, 8956039, 9259197, 9067754, 31541117, 17331079, 37695863, 35698092, 31036917, 8680406, 38388235, 33309058)

Baylor Genetics
Classification: Pathogenic for Bronchiectasis with or without elevated sweat chloride 1. Last evaluated: 2024-03-04. Review status: criteria provided, single submitter. Criteria: ACMG Guidelines, 2015. Collection method: clinical testing. Allele origin: unknown. Not counted in ClinVar's aggregate classification.

Ambry Genetics
Classification: Pathogenic for Cystic fibrosis. Last evaluated: 2022-07-06. Review status: criteria provided, single submitter. Criteria: Ambry Variant Classification Scheme 2023. Collection method: clinical testing. Allele origin: germline. Not counted in ClinVar's aggregate classification.
Comment: The p.L1254* pathogenic mutation (also known as c.3761T>G), located in coding exon 23 of the CFTR gene, results from a T to G substitution at nucleotide position 3761. This changes the amino acid from a leucine to a stop codon within coding exon 23. This mutation has been identified in a cohort of Northern Irish cystic fibrosis families (Hughes DJ et al. Hum. Mutat., 1996;8:340-7). In addition to the clinical data presented in the literature, this alteration is expected to result in loss of function by premature protein truncation or nonsense-mediated mRNA decay. As such, this alteration is interpreted as a disease-causing mutation.

Women's Health and Genetics/Laboratory Corporation of America, LabCorp
Classification: Pathogenic for Cystic fibrosis. Last evaluated: 2016-12-16. Review status: criteria provided, single submitter. Criteria: LabCorp Variant Classification Summary - May 2015. Collection method: clinical testing. Allele origin: germline. Not counted in ClinVar's aggregate classification.
Comment: Variant summary: The CFTR c.3761T>G (p.Leu1254X) variant results in a premature termination codon, predicted to cause a truncated or absent CFTR protein due to nonsense mediated decay, which are commonly known mechanisms for disease. Truncations downstream of this position have been classified as pathogenic by our laboratory (e.g. c.3773dupT/p.Leu1258fsX7). One in silico tool predicts a damaging outcome for this variant. This variant is absent in 121154 control chromosomes. This variant has been reported in multiple CF patients. In addition, CFTR2 classified this variant as pathogenic. Taken together, this variant is classified as pathogenic.

Baylor Genetics
Classification: Pathogenic for Congenital bilateral aplasia of vas deferens from CFTR mutation; Cystic fibrosis. Review status: criteria provided, single submitter. Criteria: ACMG Guidelines, 2015. Collection method: clinical testing. Allele origin: germline. Not counted in ClinVar's aggregate classification.

Literature cited by the submitters: PubMed 32627187 (cited by Natera, Inc.); PubMed 1695717 (cited by Labcorp Genetics (formerly Invitae), Labcorp); PubMed 7691345 (cited by Labcorp Genetics (formerly Invitae), Labcorp); PubMed 9725922 (cited by Labcorp Genetics (formerly Invitae), Labcorp); PubMed 17331079 (cited by Labcorp Genetics (formerly Invitae), Labcorp and Women's Health and Genetics/Laboratory Corporation of America, LabCorp); PubMed 8956039 (cited by Ambry Genetics); PubMed 20059485 (cited by Women's Health and Genetics/Laboratory Corporation of America, LabCorp); PubMed 8680406 (cited by Women's Health and Genetics/Laboratory Corporation of America, LabCorp); PubMed 9067754 (cited by Women's Health and Genetics/Laboratory Corporation of America, LabCorp); PubMed 9259197 (cited by Women's Health and Genetics/Laboratory Corporation of America, LabCorp).

NM_000492.4(CFTR):c.3761T>G (p.Leu1254Ter)

Genes: CFTR (CF transmembrane conductance regulator; plus strand), CFTR-AS2 (CFTR antisense RNA 2; minus strand). Cytogenetic location: 7q31.2.
Variant type: single nucleotide variant.
Coding change: c.3761T>G on transcript NM_000492.4 (MANE Select); coding-DNA position 3761, T replaced by G.
Protein change: p.Leu1254Ter; replaces leucine 1254 with a stop codon.
Molecular consequence: nonsense.
Genome position (GRCh38, 1-based): chr7:117,642,481, T>G. VCF-style: chr7-117642481-T-G. GRCh37 (hg19) VCF-style: chr7-117282535-T-G.
Other names: short protein forms L1254*.
Identifiers: ClinVar variation 53805 (VCV000053805.14), dbSNP rs397508604, ClinGen allele CA327280.